The following is an entry in ClinVar:

NM_177438.3(DICER1):c.31A>G (p.Met11Val)

Gene: DICER1 (dicer 1, ribonuclease III; minus strand). Cytogenetic location: 14q32.13.
Variant type: single nucleotide variant.
Coding change: c.31A>G on transcript NM_177438.3 (MANE Select); coding-DNA position 31, A replaced by G.
Protein change: p.Met11Val; replaces methionine 11 with valine.
Molecular consequence: missense variant. On other transcripts: 5 prime UTR variant (8), non-coding transcript variant (6), intron variant (1).
Genome position (GRCh38, 1-based): chr14:95,133,428, T>C on the plus strand (A>G on the coding strand, the complement: DICER1 is on the minus strand). VCF-style: chr14-95133428-T-C. GRCh37 (hg19) VCF-style: chr14-95599765-T-C.
Other names: c.31A>G, p.Met11Val (NM_001395683.1, NM_001395684.1, NM_001395692.1 and 15 more transcripts); c.-244A>G (NM_001395686.1, NM_001395688.1, NM_001395689.1 and 3 more transcripts); c.-428A>G (NM_001395691.1); c.-1538A>G (NM_001395697.1); c.-130-751A>G (NM_001395687.1); short protein forms M11V.
Identifiers: ClinVar variation 2155554 (VCV002155554.3), dbSNP rs2543389384, ClinGen allele CA390890752.
Genomic context (GRCh38, chr14:95,133,428, plus strand): 5'-GCAGTCCAAAGAAAGGACCCATTGGTGAGGAAGCAGGGGTCATGAGCTGCAGGCCTGCCA[T>C]GCTGAGGGGTTGCAAAGCAGGGCTTTTCATTCATCCAGTGTTTCTTTCATTGCATTTTTG-3'
Protein context (NP_803187.1, residues 1-21): MKSPALQPLS[Met11Val]AGLQLMTPAS

ClinVar aggregate classification (germline): Uncertain significance (1 of 4 stars; one submission).

Conditions:
DICER1-related tumor predisposition. Also called: DICER1-related pleuropulmonary blastoma cancer predisposition syndrome; DICER1 syndrome. Identifiers: Orphanet 284343, MedGen C3839822, MONDO:0100216.

Allele frequency attached by ClinVar (database versions not stated): gnomAD exomes below 0.00001.

Submission:

Labcorp Genetics (formerly Invitae), Labcorp
Classification: Uncertain significance for DICER1-related tumor predisposition. Last evaluated: 2025-04-18. Review status: criteria provided, single submitter. Criteria: Invitae Variant Classification Sherloc (09022015). Collection method: clinical testing. Allele origin: germline.
Comment: This sequence change replaces methionine, which is neutral and non-polar, with valine, which is neutral and non-polar, at codon 11 of the DICER1 protein (p.Met11Val). This variant is not present in population databases (gnomAD no frequency). This variant has not been reported in the literature in individuals affected with DICER1-related conditions. ClinVar contains an entry for this variant (Variation ID: 2155554). Invitae Evidence Modeling of protein sequence and biophysical properties (such as structural, functional, and spatial information, amino acid conservation, physicochemical variation, residue mobility, and thermodynamic stability) has been performed for this missense variant. However, the output from this modeling did not meet the statistical confidence thresholds required to predict the impact of this variant on DICER1 protein function. In summary, the available evidence is currently insufficient to determine the role of this variant in disease. Therefore, it has been classified as a Variant of Uncertain Significance.